The following is an entry in ClinVar:

NM_001365276.2(TNXB):c.9123G>T (p.Lys3041Asn)

Gene: TNXB (tenascin XB; minus strand). Cytogenetic location: 6p21.33.
Variant type: single nucleotide variant.
Coding change: c.9123G>T on transcript NM_001365276.2 (MANE Select); coding-DNA position 9123, G replaced by T.
Protein change: p.Lys3041Asn; replaces lysine 3041 with asparagine.
Molecular consequence: missense variant.
Genome position (GRCh38, 1-based): chr6:32,050,314, C>A on the plus strand (G>T on the coding strand, the complement: TNXB is on the minus strand). VCF-style: chr6-32050314-C-A. GRCh37 (hg19) VCF-style: chr6-32018091-C-A.
Other names: c.9864G>T, p.Lys3288Asn (NM_001428335.1); c.9117G>T, p.Lys3039Asn (NM_019105.8); short protein forms K3039N, K3041N, K3288N.
Identifiers: ClinVar variation 3227349 (VCV003227349.1), dbSNP rs1185969491, ClinGen allele CA363542144.

ClinVar aggregate classification (germline): Uncertain significance (1 of 4 stars; one submission).

Conditions:
Cardiovascular phenotype. Identifiers: MedGen CN230736.

Allele frequency attached by ClinVar (database versions not stated): gnomAD exomes below 0.00001.
gnomAD v4.1: 5 of 1,612,634 alleles (0.00031%); highest among the groups gnomAD compares: Non-Finnish European, 0.00034%; no homozygotes.

Submission:

Ambry Genetics
Classification: Uncertain significance for Cardiovascular phenotype. Last evaluated: 2023-12-11. Review status: criteria provided, single submitter. Criteria: Ambry Variant Classification Scheme 2023. Collection method: clinical testing. Allele origin: germline.
Comment: The p.K3039N variant (also known as c.9117G>T), located in coding exon 26 of the TNXB gene, results from a G to T substitution at nucleotide position 9117. The lysine at codon 3039 is replaced by asparagine, an amino acid with similar properties. This amino acid position is conserved. In addition, this alteration is predicted to be tolerated by in silico analysis. Since supporting evidence is limited at this time, the clinical significance of this alteration remains unclear.